The following is an entry in ClinVar:

ClinVar aggregate classification (germline): Uncertain significance. Review status: criteria provided, multiple submitters, no conflicts (2 of 4 stars). 4 submissions from 4 submitters: Uncertain significance (3). 1 of the submissions does not count toward it. Last evaluated 2026-03-18.

Conditions:
Sphingolipid activator protein 1 deficiency. Also called: Saposin B Deficiency; Metachromatic leukodystrophy due to saposin B deficiency; METACHROMATIC LEUKODYSTROPHY DUE TO CEREBROSIDE SULFATASE ACTIVATOR DEFICIENCY. Identifiers: Orphanet 512, MedGen C0268262, MONDO:0009590, OMIM 249900.
Metachromatic leukodystrophy (MLD). Also called: CEREBROSIDE SULFATASE DEFICIENCY; Arylsulfatase A Deficiency; Cerebral sclerosis diffuse metachromatic form; ARSA DEFICIENCY; METACHROMATIC LEUKOENCEPHALOPATHY; SULFATIDE LIPIDOSIS. Identifiers: Orphanet 512, MedGen C0023522, MONDO:0018868, OMIM 250100.

Allele frequency attached by ClinVar (database versions not stated): 1000 Genomes Project 30x 0.00016; 1000 Genomes Project 0.00020; gnomAD exomes 0.00002; gnomAD 0.00024 and 0.00023; TOPMed 0.00068; ExAC 0.00002.
gnomAD v4.1: 71 of 1,614,182 alleles (0.0044%); highest among the groups gnomAD compares: Admixed American, 0.095%; no homozygotes.

Submissions (4):

GeneDx
Classification: Uncertain significance. Last evaluated: 2026-03-18. Review status: criteria provided, single submitter. Criteria: GeneDx Variant Classification Process June 2021. Collection method: clinical testing. Allele origin: germline.
Comment: In silico analysis supports that this missense variant has a deleterious effect on protein structure/function; Has not been previously published as pathogenic or benign to our knowledge

Mayo Clinic Laboratories, Mayo Clinic
Classification: Uncertain significance. Last evaluated: 2025-08-02. Review status: criteria provided, single submitter. Criteria: ACMG Guidelines, 2015. Collection method: clinical testing. Allele origin: germline. Observed: 1 variant allele.
Comment: PP3_moderate, PM2_supporting

Labcorp Genetics (formerly Invitae), Labcorp
Classification: Uncertain significance for Sphingolipid activator protein 1 deficiency. Last evaluated: 2022-10-25. Review status: criteria provided, single submitter. Criteria: Invitae Variant Classification Sherloc (09022015). Collection method: clinical testing. Allele origin: germline.
Comment: This sequence change replaces isoleucine, which is neutral and non-polar, with phenylalanine, which is neutral and non-polar, at codon 432 of the PSAP protein (p.Ile432Phe). This variant is present in population databases (rs532242066, gnomAD 0.02%). This variant has not been reported in the literature in individuals affected with PSAP-related conditions. ClinVar contains an entry for this variant (Variation ID: 578184). Advanced modeling of protein sequence and biophysical properties (such as structural, functional, and spatial information, amino acid conservation, physicochemical variation, residue mobility, and thermodynamic stability) performed at Invitae indicates that this missense variant is expected to disrupt PSAP protein function. In summary, the available evidence is currently insufficient to determine the role of this variant in disease. Therefore, it has been classified as a Variant of Uncertain Significance.

Natera, Inc.
Classification: Uncertain significance for Metachromatic leukodystrophy. Last evaluated: 2019-10-28. Review status: no assertion criteria provided. Collection method: clinical testing. Allele origin: germline. Not counted in ClinVar's aggregate classification.

NM_002778.4(PSAP):c.1294A>T (p.Ile432Phe)

Gene: PSAP (prosaposin; minus strand). Cytogenetic location: 10q22.1.
Variant type: single nucleotide variant.
Coding change: c.1294A>T on transcript NM_002778.4 (MANE Select); coding-DNA position 1294, A replaced by T.
Protein change: p.Ile432Phe; replaces isoleucine 432 with phenylalanine.
Molecular consequence: missense variant.
Genome position (GRCh38, 1-based): chr10:71,819,521, T>A on the plus strand (A>T on the coding strand, the complement: PSAP is on the minus strand). VCF-style: chr10-71819521-T-A. GRCh37 (hg19) VCF-style: chr10-73579278-T-A.
Other names: p.Ile432Phe; c.1303A>T, p.Ile435Phe (NM_001042465.3); c.1300A>T, p.Ile434Phe (NM_001042466.3); c.1294A>T (NM_002778.2); short protein forms I435F, I432F, I434F.
Identifiers: ClinVar variation 578184 (VCV000578184.7), dbSNP rs532242066, ClinGen allele CA5547406.